The following is an entry in ClinVar:

ClinVar aggregate classification (germline): Uncertain significance. Review status: criteria provided, multiple submitters, no conflicts (2 of 4 stars). 2 submissions from 2 submitters: Uncertain significance (2). Last evaluated 2023-01-03.

Conditions:
Cardiovascular phenotype. Identifiers: MedGen CN230736.

Allele frequency attached by ClinVar (database versions not stated): ExAC 0.00001; gnomAD exomes 0.00001; TOPMed 0.00002; gnomAD 0.00003; 1000 Genomes Project 0.00020; 1000 Genomes Project 30x 0.00031.
gnomAD v4.1: 18 of 1,613,864 alleles (0.0011%); highest among the groups gnomAD compares: Middle Eastern, 0.049%; no homozygotes.

Submissions (2):

Women's Health and Genetics/Laboratory Corporation of America, LabCorp
Classification: Uncertain significance. Last evaluated: 2023-01-03. Review status: criteria provided, single submitter. Criteria: LabCorp Variant Classification Summary - May 2015. Collection method: clinical testing. Allele origin: germline.
Comment: Variant summary: ALMS1 c.3088A>G/p.Thr1030Ala(also known as c.3094A>G/p.Thr1032Ala in RefSeq) results in a non-conservative amino acid change in the encoded protein sequence. Three of four in-silico tools predict a benign effect of the variant on protein function. The variant allele was found at a frequency of 4e-06 in 248778 control chromosomes. The available data on variant occurrences in the general population are insufficient to allow any conclusion about variant significance. c.3088A>G has been reported in the literature in one individual affected with breast cancer. This report does not provide unequivocal conclusions about association of the variant with Alstrom Syndrome With Dilated Cardiomyopathy. Co-occurrence with a pathogenic variant has been reported (PKP2 c.2509delA, p.S837fs*?), providing supporting evidence for a benign role. To our knowledge, no experimental evidence demonstrating an impact on protein function has been reported. One clinical diagnostic laboratory has submitted clinical-significance assessments for this variant to ClinVar after 2014 without evidence for independent evaluation and classified the variant as uncertain significance. Based on the evidence outlined above, the variant was classified as uncertain significance.

Ambry Genetics
Classification: Uncertain significance for Cardiovascular phenotype. Last evaluated: 2020-02-21. Review status: criteria provided, single submitter. Criteria: Ambry Variant Classification Scheme 2023. Collection method: clinical testing. Allele origin: germline.
Comment: The p.T1032A variant (also known as c.3094A>G), located in coding exon 8 of the ALMS1 gene, results from an A to G substitution at nucleotide position 3094. The threonine at codon 1032 is replaced by alanine, an amino acid with similar properties. This amino acid position is not well conserved in available vertebrate species. In addition, this alteration is predicted to be tolerated by in silico analysis. Since supporting evidence is limited at this time, the clinical significance of this alteration remains unclear.

Literature cited by the submitters: PubMed 25905921 (cited by Women's Health and Genetics/Laboratory Corporation of America, LabCorp).

NM_001378454.1(ALMS1):c.3091A>G (p.Thr1031Ala)

Gene: ALMS1 (ALMS1 centrosome and basal body associated protein; plus strand). Cytogenetic location: 2p13.1.
Variant type: single nucleotide variant.
Coding change: c.3091A>G on transcript NM_001378454.1 (MANE Select); coding-DNA position 3091, A replaced by G.
Protein change: p.Thr1031Ala; replaces threonine 1031 with alanine.
Molecular consequence: missense variant.
Genome position (GRCh38, 1-based): chr2:73,449,618, A>G. VCF-style: chr2-73449618-A-G. GRCh37 (hg19) VCF-style: chr2-73676745-A-G.
Other names: c.3094A>G, p.Thr1032Ala (NM_015120.4); short protein forms T1032A, T1031A.
Identifiers: ClinVar variation 1727490 (VCV001727490.4), dbSNP rs72811915, ClinGen allele CA1713459.